The following is an entry in ClinVar:

ClinVar aggregate classification (germline): Benign/Likely benign. Review status: criteria provided, multiple submitters, no conflicts (2 of 4 stars). 4 submissions from 4 submitters: Benign (1); Likely benign (3). Last evaluated 2025-04-27.

Conditions:
Juvenile polyposis syndrome (JPS). Identifiers: Orphanet 2929, MedGen C0345893, MONDO:0017380, OMIM 174900.

Submissions (4):

Labcorp Genetics (formerly Invitae), Labcorp
Classification: Likely benign for Juvenile polyposis syndrome. Last evaluated: 2025-04-27. Review status: criteria provided, single submitter. Criteria: Invitae Variant Classification Sherloc (09022015). Collection method: clinical testing. Allele origin: germline.

Myriad Genetics, Inc.
Classification: Benign for Juvenile polyposis syndrome. Last evaluated: 2024-08-08. Review status: criteria provided, single submitter. Criteria: Myriad Autosomal Dominant, Autosomal Recessive and X-Linked Classification Criteria (2023). Collection method: clinical testing. Allele origin: unknown.
Comment: This variant is considered benign. This variant is a silent/synonymous amino acid change and it is not expected to impact splicing.

CeGaT Center for Human Genetics Tuebingen
Classification: Likely benign. Last evaluated: 2023-03-01. Review status: criteria provided, single submitter. Criteria: CeGaT Center For Human Genetics Tuebingen Variant Classification Criteria Version 2. Collection method: clinical testing. Allele origin: germline. Affected: yes. Observed: 1 variant allele.
Comment: BMPR1A: PM2:Supporting, BP4, BP7

GeneDx
Classification: Likely benign. Last evaluated: 2016-02-05. Review status: criteria provided, single submitter. Criteria: GeneDx Variant Classification (06012015). Collection method: clinical testing. Allele origin: germline. Affected: yes.
Comment: This variant is considered likely benign or benign based on one or more of the following criteria: it is a conservative change, it occurs at a poorly conserved position in the protein, it is predicted to be benign by multiple in silico algorithms, and/or has population frequency not consistent with disease.

NM_004329.3(BMPR1A):c.1434T>A (p.Arg478=)

Gene: BMPR1A (bone morphogenetic protein receptor type 1A; plus strand). Cytogenetic location: 10q23.2.
Variant type: single nucleotide variant.
Coding change: c.1434T>A on transcript NM_004329.3 (MANE Select); coding-DNA position 1434, T replaced by A.
Protein change: p.Arg478=; no amino-acid change (arginine 478 retained).
Molecular consequence: synonymous variant.
Genome position (GRCh38, 1-based): chr10:86,923,467, T>A. VCF-style: chr10-86923467-T-A. GRCh37 (hg19) VCF-style: chr10-88683224-T-A.
Identifiers: ClinVar variation 383573 (VCV000383573.34), dbSNP rs1057521680, ClinGen allele CA16606722.